The following is an entry in ClinVar:

NM_022124.6(CDH23):c.4068C>G (p.Thr1356=)

Genes: C10orf105 (chromosome 10 open reading frame 105; minus strand), CDH23 (cadherin related 23; plus strand). Cytogenetic location: 10q22.1.
Variant type: single nucleotide variant.
Coding change: c.4068C>G on transcript NM_022124.6 (MANE Select); coding-DNA position 4068, C replaced by G.
Protein change: p.Thr1356=; no amino-acid change (threonine 1356 retained).
Molecular consequence: synonymous variant. On other transcripts: intron variant (1).
Genome position (GRCh38, 1-based): chr10:71,732,339, C>G. VCF-style: chr10-71732339-C-G. GRCh37 (hg19) VCF-style: chr10-73492096-C-G.
Other names: c.4068C>G, p.Thr1356= (NM_001171930.2); c.-6+5389G>C (NM_001168390.2).
Identifiers: ClinVar variation 45938 (VCV000045938.27), dbSNP rs143136329, ClinGen allele CA137416.

ClinVar aggregate classification (germline): Conflicting classifications of pathogenicity. Review status: criteria provided, conflicting classifications (1 of 4 stars). 10 submissions from 9 submitters: Uncertain significance (1); Benign (5); Likely benign (2). 2 of the submissions do not count toward it. Last evaluated 2026-01-31.

Conditions:
Usher syndrome type 1 (USH1). Also called: RETINITIS PIGMENTOSA AND CONGENITAL DEAFNESS. Identifiers: Orphanet 231169, Orphanet 886, MedGen C1568247, MONDO:0010168, OMIM 276900.
Autosomal recessive nonsyndromic hearing loss 12. Also called: DEAFNESS, AUTOSOMAL RECESSIVE 12. Identifiers: Orphanet 90636, MedGen C1832394, MONDO:0011067, OMIM 601386.
Usher syndrome type 1D (USH1D). Also called: USHER SYNDROME, TYPE ID. Identifiers: Orphanet 231169, Orphanet 886, MedGen C1832845, MONDO:0010984, OMIM 601067.

Allele frequency attached by ClinVar (database versions not stated): gnomAD exomes 0.00226; 1000 Genomes Project 30x 0.00531; TOPMed 0.00558; ExAC 0.00398; ESP Exome Variant Server 0.00489; 1000 Genomes Project 0.00579.
gnomAD v4.1: 2,217 of 1,582,674 alleles (0.14%); highest among the groups gnomAD compares: African/African-American, 1.6%; 17 homozygotes.

Submissions (10):

Labcorp Genetics (formerly Invitae), Labcorp
Classification: Benign. Last evaluated: 2026-01-31. Review status: criteria provided, single submitter. Criteria: Invitae Variant Classification Sherloc (09022015). Collection method: clinical testing. Allele origin: germline.

Blueprint Genetics
Classification: Likely benign. Last evaluated: 2024-11-11. Review status: criteria provided, single submitter. Criteria: ACMG Guidelines, 2015. Collection method: clinical testing. Allele origin: germline.

Pars Genome Lab
Classification: Benign for Usher syndrome type 1D. Last evaluated: 2021-05-18. Review status: criteria provided, single submitter. Criteria: ACMG Guidelines, 2015. Collection method: clinical testing. Allele origin: germline. Affected: no.

Athena Diagnostics
Classification: Benign. Last evaluated: 2020-07-09. Review status: criteria provided, single submitter. Criteria: Athena Diagnostics Criteria. Collection method: clinical testing. Allele origin: unknown.

GeneDx
Classification: Benign. Last evaluated: 2019-09-11. Review status: criteria provided, single submitter. Criteria: GeneDx Variant Classification Process June 2021. Collection method: clinical testing. Allele origin: germline. Affected: yes.

Illumina Laboratory Services, Illumina
Classification: Likely benign for Usher syndrome type 1D. Last evaluated: 2018-01-12. Review status: criteria provided, single submitter. Criteria: ICSL Variant Classification Criteria 13 December 2019. Collection method: clinical testing. Allele origin: germline.
Comment: This variant was observed in the ICSL laboratory as part of a predisposition screen in an ostensibly healthy population. It had not been previously curated by ICSL or reported in the Human Gene Mutation Database (HGMD: prior to June 1st, 2018), and was therefore a candidate for classification through an automated scoring system. Utilizing variant allele frequency, disease prevalence and penetrance estimates, and inheritance mode, an automated score was calculated to assess if this variant is too frequent to cause the disease. Based on the score and internal cut-off values, a variant classified as likely benign is not then subjected to further curation. The score for this variant resulted in a classification of likely benign for this disease.

Illumina Laboratory Services, Illumina
Classification: Uncertain significance for Autosomal recessive nonsyndromic hearing loss 12. Last evaluated: 2018-01-12. Review status: criteria provided, single submitter. Criteria: ICSL Variant Classification Criteria 13 December 2019. Collection method: clinical testing. Allele origin: germline.

Laboratory for Molecular Medicine, Mass General Brigham Personalized Medicine
Classification: Benign. Last evaluated: 2013-08-30. Review status: criteria provided, single submitter. Criteria: LMM Criteria. Collection method: clinical testing. Allele origin: germline. Observed: 21 variant alleles.
Comment: Thr1356Thr in Exon 32A of CDH23: This variant is not expected to have clinical s ignificance because it does not alter an amino acid residue, is not located with in the splice consensus sequence, and has been identified in 1.3% (55/4114) of A frican American chromosomes from a broad population by the NHLBI Exome Sequencin g Project (dbSNP rs143136329).

Natera, Inc.
Classification: Benign for Usher syndrome type 1. Last evaluated: 2019-10-18. Review status: no assertion criteria provided. Collection method: clinical testing. Allele origin: germline. Not counted in ClinVar's aggregate classification.

Clinical Genetics DNA and cytogenetics Diagnostics Lab, Erasmus MC, Erasmus Medical Center
Classification: Benign. Review status: no assertion criteria provided. Collection method: clinical testing. Allele origin: germline. Affected: yes. Study: VKGL Data-share Consensus. Not counted in ClinVar's aggregate classification.